The following is an entry in ClinVar:

ClinVar aggregate classification (germline): Pathogenic/Likely pathogenic. Review status: criteria provided, multiple submitters, no conflicts (2 of 4 stars). 4 submissions from 4 submitters: Pathogenic (1); Likely pathogenic (2). 1 of the submissions does not count toward it. Last evaluated 2025-02-24.

Conditions:
Cohen syndrome (COH1). Also called: Cutis verticis gyrata, retinitis pigmentosa, and sensorineural deafness; PEPPER SYNDROME. Identifiers: Orphanet 193, MedGen C0265223, MONDO:0008999, OMIM 216550.

gnomAD v4.1: 1 of 1,612,696 alleles (0.000062%); highest among the groups gnomAD compares: Non-Finnish European, 0.000085%; no homozygotes.

Submissions (4):

Labcorp Genetics (formerly Invitae), Labcorp
Classification: Pathogenic for Cohen syndrome. Last evaluated: 2025-02-24. Review status: criteria provided, single submitter. Criteria: Invitae Variant Classification Sherloc (09022015). Collection method: clinical testing. Allele origin: germline.
Comment: This sequence change creates a premature translational stop signal (p.Arg1616*) in the VPS13B gene. It is expected to result in an absent or disrupted protein product. Loss-of-function variants in VPS13B are known to be pathogenic (PMID: 15141358, 16648375, 20461111). This variant is not present in population databases (gnomAD no frequency). This variant has not been reported in the literature in individuals affected with VPS13B-related conditions. ClinVar contains an entry for this variant (Variation ID: 370402). For these reasons, this variant has been classified as Pathogenic.

Fulgent Genetics
Classification: Likely pathogenic for Cohen syndrome. Last evaluated: 2024-03-28. Review status: criteria provided, single submitter. Criteria: ACMG Guidelines, 2015. Collection method: clinical testing. Allele origin: germline.

Mayo Clinic Laboratories, Mayo Clinic
Classification: Likely pathogenic for Cohen syndrome. Last evaluated: 2018-02-13. Review status: criteria provided, single submitter. Criteria: ACMG Guidelines, 2015. Collection method: clinical testing. Allele origin: maternal.

Counsyl
Classification: Likely pathogenic for Cohen syndrome. Last evaluated: 2016-02-02. Review status: no assertion criteria provided. Collection method: clinical testing. Allele origin: unknown. Not counted in ClinVar's aggregate classification.

Literature cited by the submitters: PubMed 15141358 (cited by Labcorp Genetics (formerly Invitae), Labcorp); PubMed 16648375 (cited by Labcorp Genetics (formerly Invitae), Labcorp); PubMed 20461111 (cited by Labcorp Genetics (formerly Invitae), Labcorp).

NM_152564.5(VPS13B):c.4771C>T (p.Arg1591Ter)

Gene: VPS13B (vacuolar protein sorting 13 homolog B; plus strand). Cytogenetic location: 8q22.2.
Variant type: single nucleotide variant.
Coding change: c.4771C>T on transcript NM_152564.5 (MANE Select); coding-DNA position 4771, C replaced by T.
Protein change: p.Arg1591Ter; replaces arginine 1591 with a stop codon.
Molecular consequence: nonsense.
Genome position (GRCh38, 1-based): chr8:99,556,475, C>T. VCF-style: chr8-99556475-C-T. GRCh37 (hg19) VCF-style: chr8-100568703-C-T.
Other names: c.4846C>T, p.Arg1616Ter (NM_017890.5); short protein forms R1591*, R1616*.
Identifiers: ClinVar variation 370402 (VCV000370402.14), dbSNP rs752429062, ClinGen allele CA16041237.